The following is an entry in ClinVar:

ClinVar aggregate classification (germline): Uncertain significance. Review status: criteria provided, multiple submitters, no conflicts (2 of 4 stars). 2 submissions from 2 submitters: Uncertain significance (2). Last evaluated 2025-08-04.

Conditions:
Developmental and epileptic encephalopathy, 87. Also called: EPILEPTIC ENCEPHALOPATHY, EARLY INFANTILE, 87. Identifiers: MedGen C5394501, MONDO:0030059, OMIM 618916.

Submissions (2):

Dasa
Classification: Uncertain significance for Developmental and epileptic encephalopathy, 87. Last evaluated: 2025-08-04. Review status: criteria provided, single submitter. Criteria: DASA Assertion Criteria. Collection method: clinical testing. Allele origin: germline.
Comment: NM_015076.5(CDK19):c.1218C>A (p.Asn406Lys) is a missense variant that results in the substitution of asparagine with lysine. This variant is absent from population databases. The currently available literature and clinical evidence are not sufficient to establish a definitive association between this variant and the reported condition. Therefore, this variant is classified as a variant of uncertain significance.

Laboratorio de Genetica e Diagnostico Molecular, Hospital Israelita Albert Einstein
Classification: Uncertain significance for Developmental and epileptic encephalopathy, 87. Last evaluated: 2024-10-24. Review status: criteria provided, single submitter. Criteria: ACMG Guidelines, 2015. Collection method: clinical testing. Allele origin: germline. Affected: yes.
Comment: ACMG classification criteria: PM2 supporting, BP4 supporting

NM_015076.5(CDK19):c.1218C>A (p.Asn406Lys)

Gene: CDK19 (cyclin dependent kinase 19; minus strand). Cytogenetic location: 6q21.
Variant type: single nucleotide variant.
Coding change: c.1218C>A on transcript NM_015076.5 (MANE Select); coding-DNA position 1218, C replaced by A.
Protein change: p.Asn406Lys; replaces asparagine 406 with lysine.
Molecular consequence: missense variant.
Genome position (GRCh38, 1-based): chr6:110,621,263, G>T on the plus strand (C>A on the coding strand, the complement: CDK19 is on the minus strand). VCF-style: chr6-110621263-G-T. GRCh37 (hg19) VCF-style: chr6-110942466-G-T.
Other names: c.1086C>A, p.Asn362Lys (NM_001300960.2); c.1038C>A, p.Asn346Lys (NM_001300963.2, NM_001300964.2); short protein forms N346K, N362K, N406K.
Identifiers: ClinVar variation 3902060 (VCV003902060.3).